The following is an entry in ClinVar:

ClinVar aggregate classification (germline): Uncertain significance. Review status: criteria provided, multiple submitters, no conflicts (2 of 4 stars). 4 submissions from 4 submitters: Uncertain significance (2). 2 of the submissions do not count toward it. Last evaluated 2023-05-17.

Conditions:
COL17A1-related disorder. Also called: COL17A1-related condition.
High myopia. Also called: Severe Myopia. Identifiers: MedGen C0271183, HP:0011003.
Junctional epidermolysis bullosa, non-Herlitz type. Also called: EPIDERMOLYSIS BULLOSA, JUNCTIONAL 1A, INTERMEDIATE; COL17A1-Related Junctional Epidermolysis Bullosa; Epidermolysis bullosa, junctional, non-herlitz type, somatic mosaic revertant; EPIDERMOLYSIS BULLOSA JUNCTIONALIS, DISENTIS TYPE; EPIDERMOLYSIS BULLOSA JUNCTIONALIS, NON-HERLITZ TYPE; EPIDERMOLYSIS BULLOSA JUNCTIONALIS, PROGRESSIVE. Identifiers: Orphanet 251393, Orphanet 79402, Orphanet 79405, Orphanet 89840, MedGen C0268374, MONDO:0009180, OMIM 226650.

Allele frequency attached by ClinVar (database versions not stated): gnomAD 0.00029; ESP Exome Variant Server 0.00031; TOPMed 0.00033.
gnomAD v4.1: 461 of 1,614,180 alleles (0.029%); highest among the groups gnomAD compares: Non-Finnish European, 0.037%; no homozygotes.

Submissions (4):

Department of Pathology and Laboratory Medicine, Sinai Health System
Classification: Uncertain significance for junctional epidermolysis bullosa, non-Herlitz type. Last evaluated: 2023-05-17. Review status: criteria provided, single submitter. Criteria: ACMG Guidelines, 2015. Collection method: research. Allele origin: germline.

Illumina Laboratory Services, Illumina
Classification: Uncertain significance for Junctional epidermolysis bullosa, non-Herlitz type. Last evaluated: 2017-04-28. Review status: criteria provided, single submitter. Criteria: ICSL Variant Classification Criteria 13 December 2019. Collection method: clinical testing. Allele origin: germline.
Comment: This variant was observed as part of a predisposition screen in an ostensibly healthy population. A literature search was performed for the gene, cDNA change, and amino acid change (where applicable). Publications were found based on this search. However, the evidence from the literature, in combination with allele frequency data from public databases where available, was not sufficient to rule this variant in or out of causing disease. Therefore, this variant is classified as a variant of unknown significance.

PreventionGenetics, part of Exact Sciences
Classification: Uncertain significance for COL17A1-related condition. Last evaluated: 2024-09-16. Review status: no assertion criteria provided. Collection method: clinical testing. Allele origin: germline. Not counted in ClinVar's aggregate classification.
Comment: The COL17A1 c.3205C>T variant is predicted to result in the amino acid substitution p.Arg1069Trp. This variant has been observed in an individual from a cohort of patients with intracranial aneurysm undergoing whole exome sequencing analysis (Farlow et al. 2015. PubMed ID: 25803036), and in an individual with dysmorphic features, early-onset intractable epilepsy, intellectual disability, and cortical blindness along with variants in other genes (individual B-1 in Table S1, Perrault et al. 2014. PubMed ID: 24814191); however, no additional studies were performed to asses this variant's pathogenicity. This variant is reported in 0.037% of alleles in individuals of European (Non-Finnish) descent in gnomAD. At this time, the clinical significance of this variant is uncertain due to the absence of conclusive functional and genetic evidence.

Institute of Human Genetics, Polish Academy of Sciences
Classification: Uncertain significance for Severe Myopia. Last evaluated: 2018-12-17. Review status: no assertion criteria provided. Collection method: research. Allele origin: unknown. Affected: yes. Not counted in ClinVar's aggregate classification.

Literature cited by the submitters: PubMed 24814191 (cited by Illumina Laboratory Services, Illumina); PubMed 25803036 (cited by Illumina Laboratory Services, Illumina).

NM_000494.4(COL17A1):c.3205C>T (p.Arg1069Trp)

Gene: COL17A1 (collagen type XVII alpha 1 chain; minus strand). Cytogenetic location: 10q25.1.
Variant type: single nucleotide variant.
Coding change: c.3205C>T on transcript NM_000494.4 (MANE Select); coding-DNA position 3205, C replaced by T.
Protein change: p.Arg1069Trp; replaces arginine 1069 with tryptophan.
Molecular consequence: missense variant.
Genome position (GRCh38, 1-based): chr10:104,037,639, G>A on the plus strand (C>T on the coding strand, the complement: COL17A1 is on the minus strand). VCF-style: chr10-104037639-G-A. GRCh37 (hg19) VCF-style: chr10-105797397-G-A.
Other names: c.3205C>T, p.Arg1069Trp (LRG_1249t1); short protein forms R1069W.
Identifiers: ClinVar variation 623399 (VCV000623399.8), dbSNP rs201280800, ClinGen allele CA5678076.